The following is an entry in ClinVar:

NM_001378454.1(ALMS1):c.8918C>T (p.Ala2973Val)

Gene: ALMS1 (ALMS1 centrosome and basal body associated protein; plus strand). Cytogenetic location: 2p13.1.
Variant type: single nucleotide variant.
Coding change: c.8918C>T on transcript NM_001378454.1 (MANE Select); coding-DNA position 8918, C replaced by T.
Protein change: p.Ala2973Val; replaces alanine 2973 with valine.
Molecular consequence: missense variant.
Genome position (GRCh38, 1-based): chr2:73,490,877, C>T. VCF-style: chr2-73490877-C-T. GRCh37 (hg19) VCF-style: chr2-73718004-C-T.
Other names: c.8921C>T, p.Ala2974Val (NM_015120.4); short protein forms A2974V, A2973V.
Identifiers: ClinVar variation 699052 (VCV000699052.20), dbSNP rs202110907, ClinGen allele CA1714570.

ClinVar aggregate classification (germline): Conflicting classifications of pathogenicity. Review status: criteria provided, conflicting classifications (1 of 4 stars). 5 submissions from 5 submitters: Uncertain significance (1); Likely benign (3). 1 of the submissions does not count toward it. Last evaluated 2026-10-05.

Conditions:
Alstrom syndrome (ALMS). Identifiers: Orphanet 64, MedGen C0268425, MONDO:0008763, OMIM 203800.
Cardiovascular phenotype. Identifiers: MedGen CN230736.

Allele frequency attached by ClinVar (database versions not stated): ExAC 0.00025; 1000 Genomes Project 30x 0.00047; gnomAD 0.00005 and 0.00010; TOPMed 0.00012; 1000 Genomes Project 0.00060; ESP Exome Variant Server 0.00008.
gnomAD v4.1: 148 of 1,614,092 alleles (0.0092%); highest among the groups gnomAD compares: East Asian, 0.27%; no homozygotes.

Submissions (5):

GeneDx
Classification: Uncertain significance. Last evaluated: 2026-10-05. Review status: criteria provided, single submitter. Criteria: GeneDx Variant Classification Process June 2021. Collection method: clinical testing. Allele origin: germline.
Comment: Has not been previously published as pathogenic or benign to our knowledge; In silico analysis suggests that this missense variant does not alter protein structure/function

Labcorp Genetics (formerly Invitae), Labcorp
Classification: Likely benign for Alstrom syndrome. Last evaluated: 2026-01-21. Review status: criteria provided, single submitter. Criteria: Invitae Variant Classification Sherloc (09022015). Collection method: clinical testing. Allele origin: germline.

Blueprint Genetics
Classification: Likely benign. Last evaluated: 2024-04-18. Review status: criteria provided, single submitter. Criteria: ACMG Guidelines, 2015. Collection method: clinical testing. Allele origin: germline.

Ambry Genetics
Classification: Likely benign for Cardiovascular phenotype. Last evaluated: 2022-04-12. Review status: criteria provided, single submitter. Criteria: Ambry Variant Classification Scheme 2023. Collection method: clinical testing. Allele origin: germline.

Natera, Inc.
Classification: Likely benign for Alstrom syndrome. Last evaluated: 2020-01-10. Review status: no assertion criteria provided. Collection method: clinical testing. Allele origin: germline. Not counted in ClinVar's aggregate classification.

Literature cited by the submitters: PubMed 23661369 (cited by Ambry Genetics); PubMed 26283575 (cited by Ambry Genetics).